The following is an entry in ClinVar:

ClinVar aggregate classification (germline): Likely benign. Review status: criteria provided, multiple submitters, no conflicts (2 of 4 stars). 3 submissions from 3 submitters: Likely benign (3). Last evaluated 2026-05-01.

Conditions:
Hereditary spastic paraplegia 50 (SPG50). Also called: Spastic paraplegia 50, autosomal recessive. Identifiers: Orphanet 280763, MedGen C2752008, MONDO:0013048, OMIM 612936.

Allele frequency attached by ClinVar (database versions not stated): gnomAD 0.00001; gnomAD exomes 0.00001; TOPMed 0.00001; ExAC 0.00002.

Submissions (3):

CeGaT Center for Human Genetics Tuebingen
Classification: Likely benign. Last evaluated: 2026-05-01. Review status: criteria provided, single submitter. Criteria: CeGaT Center For Human Genetics Tuebingen Variant Classification Criteria Version 2. Collection method: clinical testing. Allele origin: germline. Affected: yes. Observed: 1 variant allele.
Comment: AP4M1: BP4, BP7

Labcorp Genetics (formerly Invitae), Labcorp
Classification: Likely benign for Hereditary spastic paraplegia 50. Last evaluated: 2026-01-27. Review status: criteria provided, single submitter. Criteria: Invitae Variant Classification Sherloc (09022015). Collection method: clinical testing. Allele origin: germline.

Blueprint Genetics
Classification: Likely benign. Last evaluated: 2024-03-18. Review status: criteria provided, single submitter. Criteria: ACMG Guidelines, 2015. Collection method: clinical testing. Allele origin: germline.

NM_004722.4(AP4M1):c.867C>T (p.Asp289=)

Gene: AP4M1 (adaptor related protein complex 4 subunit mu 1; plus strand). Cytogenetic location: 7q22.1.
Variant type: single nucleotide variant.
Coding change: c.867C>T on transcript NM_004722.4 (MANE Select); coding-DNA position 867, C replaced by T.
Protein change: p.Asp289=; no amino-acid change (aspartic acid 289 retained).
Molecular consequence: synonymous variant.
Genome position (GRCh38, 1-based): chr7:100,105,477, C>T. VCF-style: chr7-100105477-C-T. GRCh37 (hg19) VCF-style: chr7-99703100-C-T.
Other names: c.888C>T, p.Asp296= (NM_001363671.2).
Identifiers: ClinVar variation 1640531 (VCV001640531.12), dbSNP rs756660680, ClinGen allele CA4374839.
Genomic context (GRCh38, chr7:100,105,477, plus strand): 5'-CTAACCTTGTTGCTCTCTGGTCTCTCAGCTGACTGTGATGCGGTACCAACTCTCCGATGA[C>T]CTCCCCTCACCGCTCCCCTTCCGGCTCTTCCCCTCTGTGCAGTGGGACCGAGGCTCAGGC-3'
Protein context (NP_004713.2, residues 279-299): LTVMRYQLSD[Asp289=]LPSPLPFRLF